The following is an entry in ClinVar:

ClinVar aggregate classification (germline): Uncertain significance. Review status: criteria provided, multiple submitters, no conflicts (2 of 4 stars). 2 submissions from 2 submitters: Uncertain significance (2). Last evaluated 2025-02-07.

Conditions:
Inborn genetic diseases. Identifiers: MedGen C0950123, MeSH D030342.
Neuronal ceroid lipofuscinosis. Also called: Neuronal Ceroid Lipofuscinoses. Identifiers: Orphanet 216, Orphanet 79263, MedGen C0027877, MONDO:0016295. Disease mechanism: loss of function.

Allele frequency attached by ClinVar (database versions not stated): ExAC 0.00001; gnomAD 0.00001; gnomAD exomes 0.00001.
gnomAD v4.1: 11 of 1,611,800 alleles (0.00068%); highest among the groups gnomAD compares: Middle Eastern, 0.016%; no homozygotes.

Submissions (2):

Ambry Genetics
Classification: Uncertain significance for Inborn genetic diseases. Last evaluated: 2025-02-07. Review status: criteria provided, single submitter. Criteria: Ambry Variant Classification Scheme 2023. Collection method: clinical testing. Allele origin: germline.

Labcorp Genetics (formerly Invitae), Labcorp
Classification: Uncertain significance for Neuronal ceroid lipofuscinosis. Last evaluated: 2024-03-16. Review status: criteria provided, single submitter. Criteria: Invitae Variant Classification Sherloc (09022015). Collection method: clinical testing. Allele origin: germline.
Comment: This sequence change replaces valine, which is neutral and non-polar, with isoleucine, which is neutral and non-polar, at codon 296 of the CLN6 protein (p.Val296Ile). This variant is present in population databases (rs781449103, gnomAD 0.01%). This variant has not been reported in the literature in individuals affected with CLN6-related conditions. ClinVar contains an entry for this variant (Variation ID: 1441369). Advanced modeling of protein sequence and biophysical properties (such as structural, functional, and spatial information, amino acid conservation, physicochemical variation, residue mobility, and thermodynamic stability) performed at Invitae indicates that this missense variant is not expected to disrupt CLN6 protein function with a negative predictive value of 80%. In summary, the available evidence is currently insufficient to determine the role of this variant in disease. Therefore, it has been classified as a Variant of Uncertain Significance.

NM_017882.3(CLN6):c.886G>A (p.Val296Ile)

Gene: CLN6 (CLN6 transmembrane ER protein; minus strand). Cytogenetic location: 15q23.
Variant type: single nucleotide variant.
Coding change: c.886G>A on transcript NM_017882.3 (MANE Select); coding-DNA position 886, G replaced by A.
Protein change: p.Val296Ile; replaces valine 296 with isoleucine.
Molecular consequence: missense variant.
Genome position (GRCh38, 1-based): chr15:68,208,190, C>T on the plus strand (G>A on the coding strand, the complement: CLN6 is on the minus strand). VCF-style: chr15-68208190-C-T. GRCh37 (hg19) VCF-style: chr15-68500528-C-T.
Other names: short protein forms V296I.
Identifiers: ClinVar variation 1441369 (VCV001441369.6), dbSNP rs781449103, ClinGen allele CA313992.
Genomic context (GRCh38, chr15:68,208,190, plus strand): 5'-TGCCAGGGACTCAGTGCCGACTGCTGACGTGAAGGGTGTAGAAAGCCCAGGGCTCAGGGA[C>T]GTAGATGACACCCGGGTACTTCTTCCTGAGAACAGGGTCATTCCACAGCCAGGCGACCCA-3'
Protein context (NP_060352.1, residues 286-306): LRKKYPGVIY[Val296Ile]PEPWAFYTLH